The following is an entry in ClinVar:

NM_006642.5(SDCCAG8):c.1993C>A (p.Gln665Lys)

Genes: AKT3 (AKT serine/threonine kinase 3; minus strand), SDCCAG8 (SHH signaling and ciliogenesis regulator SDCCAG8; plus strand). Cytogenetic location: 1q43.
Variant type: single nucleotide variant.
Coding change: c.1993C>A on transcript NM_006642.5 (MANE Select); coding-DNA position 1993, C replaced by A.
Protein change: p.Gln665Lys; replaces glutamine 665 with lysine.
Molecular consequence: missense variant. On other transcripts: intron variant (1).
Genome position (GRCh38, 1-based): chr1:243,489,021, C>A. VCF-style: chr1-243489021-C-A. GRCh37 (hg19) VCF-style: chr1-243652323-C-A.
Other names: c.*7-571G>T (NM_181690.2); c.1090C>A, p.Gln364Lys (NM_001350246.2, NM_001350247.2, NM_001350251.2); c.2089C>A, p.Gln697Lys (NM_001350248.2); c.1699C>A, p.Gln567Lys (NM_001350249.2); short protein forms Q364K, Q567K, Q665K, Q697K.
Identifiers: ClinVar variation 3344169 (VCV003344169.1).
Genomic context (GRCh38, chr1:243,489,021, plus strand): 5'-TGTTGAAAGGCTGACGTTATCCCTCTTTAATTCTGCGGTGGATTTTTCTCCAGGCTAAGG[C>A]AGCTGGATAAGCACAGCCAGGCCACAGCCCAGCAGCTGGTGCAGCTCCTCAGCAAGCAGA-3'
Protein context (NP_006633.1, residues 655-675): VHETMKQRLR[Gln665Lys]LDKHSQATAQ

ClinVar aggregate classification (germline): Uncertain significance (0 of 4 stars; one submission).

Conditions:
SDCCAG8-related disorder. Also called: SDCCAG8-related condition; SDCCAG8-Related Disorders.

gnomAD v4.1: 4 of 1,613,314 alleles (0.00025%); highest among the groups gnomAD compares: Non-Finnish European, 0.00034%; no homozygotes.

Submission:

PreventionGenetics, part of Exact Sciences
Classification: Uncertain significance for SDCCAG8-related condition. Last evaluated: 2024-05-27. Review status: no assertion criteria provided. Collection method: clinical testing. Allele origin: germline.
Comment: The SDCCAG8 c.1993C>A variant is predicted to result in the amino acid substitution p.Gln665Lys. To our knowledge, this variant has not been reported in the literature or in a large population database, indicating this variant is rare. At this time, the clinical significance of this variant is uncertain due to the absence of conclusive functional and genetic evidence.